The following is an entry in ClinVar:

NM_005121.3(MED13):c.2356C>G (p.Leu786Val)

Gene: MED13 (mediator complex subunit 13; minus strand). Cytogenetic location: 17q23.2.
Variant type: single nucleotide variant.
Coding change: c.2356C>G on transcript NM_005121.3 (MANE Select); coding-DNA position 2356, C replaced by G.
Protein change: p.Leu786Val; replaces leucine 786 with valine.
Molecular consequence: missense variant.
Genome position (GRCh38, 1-based): chr17:61,987,036, G>C on the plus strand (C>G on the coding strand, the complement: MED13 is on the minus strand). VCF-style: chr17-61987036-G-C. GRCh37 (hg19) VCF-style: chr17-60064397-G-C.
Other names: short protein forms L786V.
Identifiers: ClinVar variation 1300599 (VCV001300599.4), dbSNP rs2143480598, ClinGen allele CA400511673.

ClinVar aggregate classification (germline): Uncertain significance (1 of 4 stars; one submission).

Submission:

GeneDx
Classification: Uncertain significance. Last evaluated: 2023-08-25. Review status: criteria provided, single submitter. Criteria: GeneDx Variant Classification Process June 2021. Collection method: clinical testing. Allele origin: germline. Affected: yes.
Comment: Not observed at significant frequency in large population cohorts (gnomAD); In silico analysis supports that this missense variant does not alter protein structure/function; Has not been previously published as pathogenic or benign to our knowledge